The following is an entry in ClinVar:

ClinVar aggregate classification (germline): Uncertain significance (1 of 4 stars; one submission).

Submission:

GeneDx
Classification: Uncertain significance. Last evaluated: 2024-02-07. Review status: criteria provided, single submitter. Criteria: GeneDx Variant Classification Process June 2021. Collection method: clinical testing. Allele origin: germline. Affected: yes.
Comment: Not observed at significant frequency in large population cohorts (gnomAD); In silico analysis supports that this missense variant does not alter protein structure/function; Has not been previously published as pathogenic or benign to our knowledge

NM_020706.2(SCAF4):c.2009C>T (p.Pro670Leu)

Gene: SCAF4 (SR-related CTD associated factor 4; minus strand). Cytogenetic location: 21q22.11.
Variant type: single nucleotide variant.
Coding change: c.2009C>T on transcript NM_020706.2 (MANE Select); coding-DNA position 2009, C replaced by T.
Protein change: p.Pro670Leu; replaces proline 670 with leucine.
Molecular consequence: missense variant.
Genome position (GRCh38, 1-based): chr21:31,688,341, G>A on the plus strand (C>T on the coding strand, the complement: SCAF4 is on the minus strand). VCF-style: chr21-31688341-G-A. GRCh37 (hg19) VCF-style: chr21-33060654-G-A.
Other names: c.1964C>T, p.Pro655Leu (NM_001145444.1); c.2009C>T, p.Pro670Leu (NM_001145445.1); short protein forms P655L, P670L.
Identifiers: ClinVar variation 3368634 (VCV003368634.1).
Genomic context (GRCh38, chr21:31,688,341, plus strand): 5'-TTTAAGTCATGTCCCAATATTCTCACCTGTGGAGGTGGCACTGTTATAGGTGCAGGAACA[G>A]GAATAGGAGGGACAGGCACAGGTAATGGTTTAGGTATGGGTGATACTGGTTCTGTGTGTG-3'
Protein context (NP_065757.1, residues 660-680): KPLPVPVPPI[Pro670Leu]VPAPITVPPP